The following is an entry in ClinVar:

ClinVar aggregate classification (germline): Uncertain significance (1 of 4 stars; one submission).

gnomAD v4.1: 5 of 1,613,694 alleles (0.00031%); highest among the groups gnomAD compares: Non-Finnish European, 0.00042%; no homozygotes.

Submission:

Ambry Genetics
Classification: Uncertain significance. Last evaluated: 2025-09-28. Review status: criteria provided, single submitter. Criteria: Ambry Variant Classification Scheme 2023. Collection method: clinical testing. Allele origin: germline.
Comment: The c.346G>A (p.A116T) alteration is located in exon 4 (coding exon 4) of the SLC44A1 gene. This alteration results from a G to A substitution at nucleotide position 346, causing the alanine (A) at amino acid position 116 to be replaced by a threonine (T). Based on data from gnomAD, the A allele has an overall frequency of <0.001% (1/251120) total alleles studied. The highest observed frequency was 0.001% (1/113592) of European (non-Finnish) alleles. Based on insufficient or conflicting evidence, the clinical significance of this alteration remains unclear.

NM_080546.5(SLC44A1):c.346G>A (p.Ala116Thr)

Gene: SLC44A1 (solute carrier family 44 member 1; plus strand). Cytogenetic location: 9q31.1.
Variant type: single nucleotide variant.
Coding change: c.346G>A on transcript NM_080546.5 (MANE Select); coding-DNA position 346, G replaced by A.
Protein change: p.Ala116Thr; replaces alanine 116 with threonine.
Molecular consequence: missense variant.
Genome position (GRCh38, 1-based): chr9:105,335,639, G>A. VCF-style: chr9-105335639-G-A. GRCh37 (hg19) VCF-style: chr9-108097920-G-A.
Other names: c.346G>A, p.Ala116Thr (NM_001286730.2, NM_001330731.2); short protein forms A116T.
Identifiers: ClinVar variation 4585811 (VCV004585811.1).